The following is an entry in ClinVar:

NM_015261.3(NCAPD3):c.2046-5del

Gene: NCAPD3 (non-SMC condensin II complex subunit D3; minus strand). Cytogenetic location: 11q25.
Variant type: Deletion.
Coding change: c.2046-5del on transcript NM_015261.3 (MANE Select); 5 bases into the intron before coding-DNA position 2046, one base deleted (T; older notation c.2046-5delT).
Molecular consequence: intron variant.
Genome position (GRCh38, 1-based): chr11:134,185,531, A deleted on the plus strand (T on the coding strand, the reverse complement: NCAPD3 is on the minus strand); the first of 10 consecutive A bases (chr11:134,185,531-134,185,540); deleting any one gives the same sequence. VCF-style (leftmost placement, unchanged base first): chr11-134185530-GA-G. GRCh37 (hg19) VCF-style: chr11-134055425-GA-G.
Other names: c.1632-5del (NM_001372070.1, NM_001372069.1); c.2046-5del (NM_001372065.1, NM_001372068.1).
Identifiers: ClinVar variation 3352767 (VCV003352767.1).

ClinVar aggregate classification (germline): Likely benign (0 of 4 stars; one submission).

Conditions:
NCAPD3-related disorder. Also called: NCAPD3-related condition.

Submission:

PreventionGenetics, part of Exact Sciences
Classification: Likely benign for NCAPD3-related condition. Last evaluated: 2024-09-06. Review status: no assertion criteria provided. Collection method: clinical testing. Allele origin: germline.
Comment: This variant is classified as likely benign based on ACMG/AMP sequence variant interpretation guidelines (Richards et al. 2015 PMID: 25741868, with internal and published modifications).